The following is an entry in ClinVar:

NM_001103146.3(GIGYF2):c.3489A>G (p.Glu1163=)

Gene: GIGYF2 (GRB10 interacting GYF protein 2; plus strand). Cytogenetic location: 2q37.1.
Variant type: single nucleotide variant.
Coding change: c.3489A>G on transcript NM_001103146.3 (MANE Select); coding-DNA position 3489, A replaced by G.
Protein change: p.Glu1163=; no amino-acid change (glutamic acid 1163 retained).
Molecular consequence: synonymous variant. On other transcripts: non-coding transcript variant (1).
Genome position (GRCh38, 1-based): chr2:232,847,376, A>G. VCF-style: chr2-232847376-A-G. GRCh37 (hg19) VCF-style: chr2-233712086-A-G.
Other names: c.3552A>G, p.Glu1184= (NM_001103147.2); c.3471A>G, p.Glu1157= (NM_001103148.2); c.3489A>G, p.Glu1163= (NM_015575.4).
Identifiers: ClinVar variation 3029521 (VCV003029521.2), dbSNP rs1405338572, ClinGen allele CA431954472.

ClinVar aggregate classification (germline): Likely benign (0 of 4 stars; one submission).

Conditions:
GIGYF2-related disorder. Also called: GIGYF2-related condition.

Allele frequency attached by ClinVar (database versions not stated): gnomAD 0.00001; TOPMed 0.00001; gnomAD exomes 0.00002.
gnomAD v4.1: 25 of 1,612,400 alleles (0.0016%); highest among the groups gnomAD compares: Non-Finnish European, 0.0021%; no homozygotes.

Submission:

PreventionGenetics, part of Exact Sciences
Classification: Likely benign for GIGYF2-related condition. Last evaluated: 2022-06-23. Review status: no assertion criteria provided. Collection method: clinical testing. Allele origin: germline.
Comment: This variant is classified as likely benign based on ACMG/AMP sequence variant interpretation guidelines (Richards et al. 2015 PMID: 25741868, with internal and published modifications).